The following is an entry in ClinVar:

NM_000038.6(APC):c.4453G>C (p.Ala1485Pro)

Gene: APC (APC regulator of Wnt signaling pathway; plus strand). Cytogenetic location: 5q22.2.
Variant type: single nucleotide variant.
Coding change: c.4453G>C on transcript NM_000038.6 (MANE Select); coding-DNA position 4453, G replaced by C.
Protein change: p.Ala1485Pro; replaces alanine 1485 with proline.
Molecular consequence: missense variant.
Genome position (GRCh38, 1-based): chr5:112,840,047, G>C. VCF-style: chr5-112840047-G-C. GRCh37 (hg19) VCF-style: chr5-112175744-G-C.
Other names: c.4453G>C, p.Ala1485Pro (NM_001127510.3, NM_001354895.2); c.4399G>C, p.Ala1467Pro (NM_001127511.3); c.4507G>C, p.Ala1503Pro (NM_001354896.2); c.4483G>C, p.Ala1495Pro (NM_001354897.2); c.4378G>C, p.Ala1460Pro (NM_001354898.2); c.4369G>C, p.Ala1457Pro (NM_001354899.2); c.4330G>C, p.Ala1444Pro (NM_001354900.2); c.4276G>C, p.Ala1426Pro (NM_001354901.2); and 5 more; short protein forms A1485P, A1394P, A1444P, A1460P, A1325P, A1457P, A1202P, A1384P.
Identifiers: ClinVar variation 1468316 (VCV001468316.13), dbSNP rs2149915099, ClinGen allele CA16031078.

ClinVar aggregate classification (germline): Uncertain significance. Review status: criteria provided, multiple submitters, no conflicts (2 of 4 stars). 3 submissions from 3 submitters: Uncertain significance (3). Last evaluated 2024-03-01.

Conditions:
Hereditary cancer-predisposing syndrome. Also called: Tumor predisposition; Hereditary Cancer Syndrome; Hereditary neoplastic syndrome; Neoplastic Syndromes, Hereditary. Identifiers: Orphanet 140162, MedGen C0027672, MeSH D009386, MONDO:0015356.
Familial adenomatous polyposis 1 (FAP1). Also called: FAMILIAL ADENOMATOUS POLYPOSIS 1, ATTENUATED; POLYPOSIS, ADENOMATOUS INTESTINAL. Identifiers: MedGen C2713442, MONDO:0021056, OMIM 175100. Disease mechanism: loss of function.

Submissions (3):

Labcorp Genetics (formerly Invitae), Labcorp
Classification: Uncertain significance for Familial adenomatous polyposis 1. Last evaluated: 2024-03-01. Review status: criteria provided, single submitter. Criteria: Invitae Variant Classification Sherloc (09022015). Collection method: clinical testing. Allele origin: germline.
Comment: This sequence change replaces alanine, which is neutral and non-polar, with proline, which is neutral and non-polar, at codon 1485 of the APC protein (p.Ala1485Pro). This variant is not present in population databases (gnomAD no frequency). This variant has not been reported in the literature in individuals affected with APC-related conditions. ClinVar contains an entry for this variant (Variation ID: 1468316). Advanced modeling of protein sequence and biophysical properties (such as structural, functional, and spatial information, amino acid conservation, physicochemical variation, residue mobility, and thermodynamic stability) performed at Invitae indicates that this missense variant is not expected to disrupt APC protein function with a negative predictive value of 95%. In summary, the available evidence is currently insufficient to determine the role of this variant in disease. Therefore, it has been classified as a Variant of Uncertain Significance.

Color Diagnostics, LLC DBA Color Health
Classification: Uncertain significance for Hereditary cancer-predisposing syndrome. Last evaluated: 2023-12-11. Review status: criteria provided, single submitter. Criteria: ACMG Guidelines, 2015. Collection method: clinical testing. Allele origin: germline.
Comment: This missense variant replaces alanine with proline at codon 1485 of the APC protein. Computational prediction is inconclusive regarding the impact of this variant on protein structure and function (internally defined REVEL score threshold 0.5 < inconclusive < 0.7, PMID: 27666373). To our knowledge, functional studies have not been reported for this variant. This variant has not been reported in individuals affected with APC-related disorders in the literature. This variant has not been identified in the general population by the Genome Aggregation Database (gnomAD). The available evidence is insufficient to determine the role of this variant in disease conclusively. Therefore, this variant is classified as a Variant of Uncertain Significance.

Ambry Genetics
Classification: Uncertain significance for Hereditary cancer-predisposing syndrome. Last evaluated: 2021-03-19. Review status: criteria provided, single submitter. Criteria: Ambry Variant Classification Scheme 2023. Collection method: clinical testing. Allele origin: germline.
Comment: The p.A1485P variant (also known as c.4453G>C), located in coding exon 15 of the APC gene, results from a G to C substitution at nucleotide position 4453. The alanine at codon 1485 is replaced by proline, an amino acid with highly similar properties. This amino acid position is well conserved in available vertebrate species. In addition, in silico predictors for this gene do not accurately predict pathogenicity. Since supporting evidence is limited at this time, the clinical significance of this alteration remains unclear.